The following is an entry in ClinVar:

NC_000005.10:g.112850828T>G

Variant type: single nucleotide variant.
Genome position: GRCh38 VCF-style: chr5-112850828-T-G. GRCh37 (hg19) VCF-style: chr5-112186525-T-G.
Identifiers: ClinVar variation 82663 (VCV000082663.3), dbSNP rs78756699, ClinGen allele CA250803.
Genomic context (GRCh38, chr5:112,850,828, plus strand): 5'-CATGATGACAACATTTGGTACTATAAATAATAACTTTTCCTTTTGTTTTGCACAGACTAA[T>G]TCATCTGTAAAGCACTGGCAGCCTCATTGTTACCATGGTTTTTGTTAATTTCTCTTTGCA-3'

ClinVar aggregate classification (germline): other (0 of 4 stars; one submission).

Conditions:
Familial colorectal cancer. Identifiers: MedGen CN280943, MONDO:0023113. Disease mechanism: loss of function.

Submission:

Systems Biology Platform Zhejiang California International NanoSystems Institute
Classification: other for Familial colorectal cancer. Review status: no assertion criteria provided. Collection method: not provided. Allele origin: unknown.
ClinVar note: Converted during submission from cancer to other.